The following is an entry in ClinVar:

ClinVar aggregate classification (germline): Likely benign (1 of 4 stars; one submission).

Conditions:
Dilated cardiomyopathy 1W (CMD1W). Identifiers: Orphanet 154, MedGen C1969639, MONDO:0012667, OMIM 611407.

Allele frequency attached by ClinVar (database versions not stated): gnomAD 0.00035 and 0.00059; gnomAD exomes 0.00056; TOPMed 0.00088; 1000 Genomes Project 30x 0.00312; 1000 Genomes Project 0.00339.
gnomAD v4.1: 814 of 1,420,736 alleles (0.057%); highest among the groups gnomAD compares: East Asian, 1.7%; 5 homozygotes.

Submission:

Illumina Laboratory Services, Illumina
Classification: Likely benign for Dilated cardiomyopathy 1W. Last evaluated: 2018-01-13. Review status: criteria provided, single submitter. Criteria: ICSL Variant Classification Criteria 13 December 2019. Collection method: clinical testing. Allele origin: germline.
Comment: This variant was observed in the ICSL laboratory as part of a predisposition screen in an ostensibly healthy population. It had not been previously curated by ICSL or reported in the Human Gene Mutation Database (HGMD: prior to June 1st, 2018), and was therefore a candidate for classification through an automated scoring system. Utilizing variant allele frequency, disease prevalence and penetrance estimates, and inheritance mode, an automated score was calculated to assess if this variant is too frequent to cause the disease. Based on the score and internal cut-off values, a variant classified as likely benign is not then subjected to further curation. The score for this variant resulted in a classification of likely benign for this disease.

NM_014000.3(VCL):c.*107T>A

Gene: VCL (vinculin; plus strand). Cytogenetic location: 10q22.2.
Variant type: single nucleotide variant.
Coding change: c.*107T>A on transcript NM_014000.3 (MANE Select); 107 bases downstream of the stop codon, T replaced by A.
Molecular consequence: 3 prime UTR variant.
Genome position (GRCh38, 1-based): chr10:74,118,276, T>A. VCF-style: chr10-74118276-T-A. GRCh37 (hg19) VCF-style: chr10-75878034-T-A.
Other names: c.*107T>A (NM_003373.4).
Identifiers: ClinVar variation 879352 (VCV000879352.4), dbSNP rs76086805, ClinGen allele CA209701336.